The following is an entry in ClinVar:

NM_001267550.2(TTN):c.11497_11515del (p.Met3833fs)

Gene: TTN (titin; minus strand). Cytogenetic location: 2q31.2.
Variant type: Deletion.
Coding change: c.11497_11515del on transcript NM_001267550.2 (MANE Select); coding-DNA positions 11497 to 11515, 19 bases deleted (ATGGGGGATGTGGCTACAC).
Protein change: p.Met3833fs; shifts the reading frame from methionine 3833.
Molecular consequence: frameshift variant. On other transcripts: intron variant (1).
Genome position (GRCh38, 1-based): chr2:178,741,718-178,741,736, GTGTAGCCACATCCCCCAT deleted on the plus strand (ATGGGGGATGTGGCTACAC on the coding strand, the reverse complement: TTN is on the minus strand); deleting any 19 consecutive bases within chr2:178,741,718-178,741,737 gives the same sequence; the c. name uses the placement nearest the transcript's 3' end. VCF-style (leftmost placement, unchanged base first): chr2-178741717-AGTGTAGCCACATCCCCCAT-A. GRCh37 (hg19) VCF-style: chr2-179606444-AGTGTAGCCACATCCCCCAT-A.
Other names: c.10546_10564del, p.Met3516fs (NM_001256850.1); c.10408_10426del, p.Met3470fs (NM_003319.4); c.10783_10801del, p.Met3595fs (NM_133432.3); c.10984_11002del, p.Met3662fs (NM_133437.4); c.10361-3376_10361-3358del (NM_133378.4); short protein forms M3470fs, M3662fs, M3833fs, M3595fs, M3516fs.
Identifiers: ClinVar variation 1403913 (VCV001403913.9), dbSNP rs2154319069, ClinGen allele CA2573133079.

ClinVar aggregate classification (germline): Pathogenic. Review status: criteria provided, multiple submitters, no conflicts (2 of 4 stars). 2 submissions from 2 submitters: Pathogenic (2). Last evaluated 2024-10-28.

Conditions:
Dilated cardiomyopathy 1G (CMD1G). Identifiers: Orphanet 154, MedGen C1858763, MONDO:0011400, OMIM 604145.
Autosomal recessive limb-girdle muscular dystrophy type 2J (LGMDR10). Also called: Limb-girdle muscular dystrophy, type 2J; MUSCULAR DYSTROPHY, LIMB-GIRDLE, AUTOSOMAL RECESSIVE 10. Identifiers: Orphanet 140922, MedGen C1837342, MONDO:0012127, OMIM 608807.
TTN-related disorder. Also called: TTN-related condition; TTN-related disease; TTN-related disorders.

Submissions (2):

Labcorp Genetics (formerly Invitae), Labcorp
Classification: Pathogenic for Dilated cardiomyopathy 1G; Autosomal recessive limb-girdle muscular dystrophy type 2J. Last evaluated: 2024-10-28. Review status: criteria provided, single submitter. Criteria: Invitae Variant Classification Sherloc (09022015). Collection method: clinical testing. Allele origin: germline.
Comment: This sequence change creates a premature translational stop signal (p.Met3833Cysfs*3) in the TTN gene. While this is not anticipated to result in nonsense mediated decay, it is expected to create a truncated TTN protein. This variant is not present in population databases (gnomAD no frequency). This premature translational stop signal has been observed in individuals with autosomal dominant dilated cardiomyopathy and/or cardiac disorders (PMID: 25163546, 30333491, 33019804, 33106378). This variant is also known as NM_133437:c.10984_11002del. ClinVar contains an entry for this variant (Variation ID: 1403913). This variant is located in the I band of TTN (PMID: 25589632). Truncating variants in this region have been reported in individuals affected with autosomal recessive centronuclear myopathy (PMID: 23975875, internal data). Truncating variants in this region have also been identified in individuals affected with autosomal dominant dilated cardiomyopathy and/or cardio-related conditions (PMID: 27869827, 32964742, internal data). For these reasons, this variant has been classified as Pathogenic.

Blueprint Genetics
Classification: Pathogenic for TTN-related disorders. Last evaluated: 2021-07-01. Review status: criteria provided, single submitter. Criteria: ACMG Guidelines, 2015. Collection method: clinical testing. Allele origin: germline. Affected: yes. Observed: 1 variant allele.

Literature cited by the submitters: PubMed 25163546 (cited by Labcorp Genetics (formerly Invitae), Labcorp); PubMed 30333491 (cited by Labcorp Genetics (formerly Invitae), Labcorp); PubMed 33019804 (cited by Labcorp Genetics (formerly Invitae), Labcorp); PubMed 33106378 (cited by Labcorp Genetics (formerly Invitae), Labcorp); PubMed 25589632 (cited by Labcorp Genetics (formerly Invitae), Labcorp); PubMed 23975875 (cited by Labcorp Genetics (formerly Invitae), Labcorp); PubMed 27869827 (cited by Labcorp Genetics (formerly Invitae), Labcorp); PubMed 32964742 (cited by Labcorp Genetics (formerly Invitae), Labcorp).